The following is an entry in ClinVar:

ClinVar aggregate classification (germline): Benign. Review status: criteria provided, multiple submitters, no conflicts (2 of 4 stars). 3 submissions from 3 submitters: Benign (3). Last evaluated 2026-01-19.

Allele frequency attached by ClinVar (database versions not stated): 1000 Genomes Project 0.02017; gnomAD 0.02096 and 0.01947; TOPMed 0.02213; 1000 Genomes Project 30x 0.02217; ESP Exome Variant Server 0.02507; gnomAD exomes 0.00194 and 0.00517; ExAC 0.00654.
gnomAD v4.1: 5,943 of 1,613,364 alleles (0.37%); highest among the groups gnomAD compares: African/African-American, 6.8%; 184 homozygotes.

Submissions (3):

Labcorp Genetics (formerly Invitae), Labcorp
Classification: Benign. Last evaluated: 2026-01-19. Review status: criteria provided, single submitter. Criteria: Invitae Variant Classification Sherloc (09022015). Collection method: clinical testing. Allele origin: germline.

GeneDx
Classification: Benign. Last evaluated: 2017-10-23. Review status: criteria provided, single submitter. Criteria: GeneDx Variant Classification (06012015). Collection method: clinical testing. Allele origin: germline. Affected: yes.
Comment: This variant is considered likely benign or benign based on one or more of the following criteria: it is a conservative change, it occurs at a poorly conserved position in the protein, it is predicted to be benign by multiple in silico algorithms, and/or has population frequency not consistent with disease.

Breakthrough Genomics
Classification: Benign. Review status: criteria provided, single submitter. Criteria: ACMG Guidelines, 2015. Collection method: not provided. Allele origin: germline. Inheritance: Autosomal dominant inheritance. Affected: yes.

NM_144498.4(OSBPL2):c.1126-9G>A

Gene: OSBPL2 (oxysterol binding protein like 2; plus strand). Cytogenetic location: 20q13.33.
Variant type: single nucleotide variant.
Coding change: c.1126-9G>A on transcript NM_144498.4 (MANE Select); 9 bases into the intron before coding-DNA position 1126, G replaced by A.
Molecular consequence: intron variant.
Genome position (GRCh38, 1-based): chr20:62,289,198, G>A. VCF-style: chr20-62289198-G-A. GRCh37 (hg19) VCF-style: chr20-60864254-G-A.
Other names: c.850-9G>A (NM_001363878.2); c.1090-9G>A (NM_014835.5); c.849+2487G>A (NM_001278649.3).
Identifiers: ClinVar variation 508617 (VCV000508617.12), dbSNP rs113137219, ClinGen allele CA9938723.